The following is an entry in ClinVar:

NM_014484.5(MOCS3):c.973C>G (p.Arg325Gly)

Gene: MOCS3 (molybdenum cofactor synthesis 3; plus strand). Cytogenetic location: 20q13.13.
Variant type: single nucleotide variant.
Coding change: c.973C>G on transcript NM_014484.5 (MANE Select); coding-DNA position 973, C replaced by G.
Protein change: p.Arg325Gly; replaces arginine 325 with glycine.
Molecular consequence: missense variant.
Genome position (GRCh38, 1-based): chr20:50,959,815, C>G. VCF-style: chr20-50959815-C-G. GRCh37 (hg19) VCF-style: chr20-49576352-C-G.
Other names: short protein forms R325G.
Identifiers: ClinVar variation 1448871 (VCV001448871.8), dbSNP rs1485973137, ClinGen allele CA408985321.

ClinVar aggregate classification (germline): Uncertain significance (1 of 4 stars; one submission).

Allele frequency attached by ClinVar (database versions not stated): gnomAD exomes below 0.00001.
gnomAD v4.1: 15 of 1,614,242 alleles (0.00093%); highest among the groups gnomAD compares: Non-Finnish European, 0.0013%; no homozygotes.

Submission:

Labcorp Genetics (formerly Invitae), Labcorp
Classification: Uncertain significance. Last evaluated: 2022-06-13. Review status: criteria provided, single submitter. Criteria: Invitae Variant Classification Sherloc (09022015). Collection method: clinical testing. Allele origin: germline.
Comment: In summary, the available evidence is currently insufficient to determine the role of this variant in disease. Therefore, it has been classified as a Variant of Uncertain Significance. Algorithms developed to predict the effect of missense changes on protein structure and function are either unavailable or do not agree on the potential impact of this missense change (SIFT: "Deleterious"; PolyPhen-2: "Benign"; Align-GVGD: "Class C0"). This variant has not been reported in the literature in individuals affected with MOCS3-related conditions. This variant is present in population databases (no rsID available, gnomAD 0.0009%). This sequence change replaces arginine, which is basic and polar, with glycine, which is neutral and non-polar, at codon 325 of the MOCS3 protein (p.Arg325Gly).